The following is an entry in ClinVar:

NM_000059.4(BRCA2):c.668del (p.His223fs)

Gene: BRCA2 (BRCA2 DNA repair associated; plus strand). Cytogenetic location: 13q13.1.
Variant type: Deletion.
Coding change: c.668del on transcript NM_000059.4 (MANE Select); coding-DNA position 668, one base deleted (A; older notation c.668delA).
Protein change: p.His223fs; shifts the reading frame from histidine 223.
Molecular consequence: frameshift variant.
Genome position (GRCh38, 1-based): chr13:32,329,479, A deleted. VCF-style (leftmost placement, unchanged base first): chr13-32329478-CA-C. GRCh37 (hg19) VCF-style: chr13-32903615-CA-C.
Other names: c.668delA (NM_000059.3); short protein forms H223fs.
Identifiers: ClinVar variation 231608 (VCV000231608.9), dbSNP rs876659261, ClinGen allele CA10579466.

ClinVar aggregate classification (germline): Pathogenic. Review status: reviewed by expert panel (3 of 4 stars). 3 submissions from 3 submitters: Pathogenic (1). 2 of the submissions do not count toward it. Last evaluated 2017-12-15.

Conditions:
Hereditary cancer-predisposing syndrome. Also called: Hereditary Cancer Syndrome; Neoplastic Syndromes, Hereditary; Tumor predisposition; Hereditary neoplastic syndrome. Identifiers: Orphanet 140162, MedGen C0027672, MeSH D009386, MONDO:0015356.
Breast-ovarian cancer, familial, susceptibility to, 2 (BROVCA2). Also called: BRCA2 Hereditary Breast and Ovarian Cancer. Identifiers: Orphanet 145, MedGen C2675520, MONDO:0012933, OMIM 612555. Disease mechanism: loss of function.
Hereditary breast ovarian cancer syndrome. Also called: Hereditary breast and/or ovarian cancer syndrome; BRCA1- and BRCA2-Associated Hereditary Breast and Ovarian Cancer; Hereditary breast and ovarian cancer syndrome (HBOC); Hereditary breast and ovarian cancer; Hereditary breast and ovarian cancer syndrome; Breast and ovarian cancer. Identifiers: Orphanet 145, MedGen C0677776, MeSH D061325, MONDO:0003582. Disease mechanism: loss of function.

Submissions (3):

Evidence-based Network for the Interpretation of Germline Mutant Alleles (ENIGMA)
Classification: Pathogenic for Breast-ovarian cancer, familial, susceptibility to, 2. Last evaluated: 2017-12-15. Review status: reviewed by expert panel. Criteria: ENIGMA BRCA1/2 Classification Criteria (2017-06-29). Collection method: curation. Allele origin: germline. Study: ENIGMA.
Comment: Variant allele predicted to encode a truncated non-functional protein.

Labcorp Genetics (formerly Invitae), Labcorp
Classification: Pathogenic for Hereditary breast ovarian cancer syndrome. Last evaluated: 2021-12-08. Review status: criteria provided, single submitter. Criteria: Invitae Variant Classification Sherloc (09022015). Collection method: clinical testing. Allele origin: germline. Not counted in ClinVar's aggregate classification.
Comment: This sequence change creates a premature translational stop signal (p.His223Leufs*7) in the BRCA2 gene. It is expected to result in an absent or disrupted protein product. Loss-of-function variants in BRCA2 are known to be pathogenic (PMID: 20104584). This variant is not present in population databases (gnomAD no frequency). This variant has not been reported in the literature in individuals affected with BRCA2-related conditions. ClinVar contains an entry for this variant (Variation ID: 231608). For these reasons, this variant has been classified as Pathogenic.

Ambry Genetics
Classification: Pathogenic for Hereditary cancer-predisposing syndrome. Last evaluated: 2015-05-04. Review status: criteria provided, single submitter. Criteria: Ambry Autosomal Dominant and X-Linked criteria (10/2015). Collection method: clinical testing. Allele origin: germline. Observed: 1 variant allele. Not counted in ClinVar's aggregate classification.
Comment: The c.668delApathogenic mutation(also known as896delA), located in coding exon 7 of the BRCA2 gene, results from a deletion of one nucleotide at nucleotide position 668, causing a translational frameshift with a predicted alternate stop codon. Since frameshifts are typically deleterious in nature, this alteration is interpreted as a disease-causing mutation (ACMG Recommendations for Standards for Interpretation and Reporting of Sequence Variations. Revision 2007. Genet Med. 2008;10:294).

Literature cited by the submitters: PubMed 20104584 (cited by Labcorp Genetics (formerly Invitae), Labcorp).